The following continues an entry in ClinVar:

NM_004360.5(CDH1):c.2440-6C>G

Gene: CDH1. ClinVar aggregate classification (germline): Benign/Likely benign. Benign (13); Likely benign (7).

Submissions 26 to 32 of 32:

Department of Pathology and Laboratory Medicine, Sinai Health System
Classification: Likely benign for Malignant tumor of breast. Review status: no assertion criteria provided. Collection method: clinical testing. Allele origin: unknown. Affected: yes. Observed: 9 variant alleles. Study: The Canadian Open Genetics Repository (COGR). Not counted in ClinVar's aggregate classification.
Comment: The CDH1 c.2440-6C>G variant was identified in 3 of 462 proband chromosomes (frequency: 0.006) from individuals or families with diffuse gastric and lung cancer (Guilford 2007, More 2007, Yorczyk 2015). The variant was also identified in the following databases: dbSNP (ID: rs139757930) as With Likely benign, ClinVar (classified as benign by Invitae, as likely benign by GeneDx and Ambry Genetics), Clinvitae (classified as likely benign by ClinVar, Invitae), Insight Colon Cancer Gene Variant Database (1X), and the Zhejiang Colon Cancer Database. The variant was identified in control databases in 453 (1 homozygous) of 277200 chromosomes at a frequency of 0.0016 in the following populations: European in 215 of 126702 chromosomes (freq. 0.002), Latino in 126 of 34420 chromosomes (freq. 0.004), Ashkenazi Jewish in 73 of 10152 chromosomes (freq. 0.007), Other in 29 of 6466 chromosomes (freq. 0.004), South Asian in 6 of 30782 chromosomes (freq.0.0002), African in 4 of 24024 chromosomes (freq. 0.0002), increasing the likelihood this could be a low frequency benign variant (Genome Aggregation Consortium Feb 27, 2017). The c.2440-6C>G variant is located in the 3' splice region but does not affect the invariant -1 and -2 positions. However, positions -3 and -5 to -12 are part of the splicing consensus sequence and variants involving these positions sometimes affect splicing. In addition, 1 of 5 in silico or computational prediction software programs (SpliceSiteFinder, MaxEntScan, NNSPLICE, GeneSplicer, HumanSpliceFinder) predict a greater than 10% difference in splicing. There is conflicting evidence in the literature regarding effect on splicing. The variant causes abnormal RNA transcripts compared to RNA from a healthy unrelated control Individuals in More et al. (2007), while in GrodeckâˆšÂ° (2014) results showed mostly correctly spliced transcripts of both wild type and c.2440-6C>G variants. In summary, based on the above information, the clinical significance of this variant cannot be determined with certainty at this time although we would lean towards a more benign role for this variant. This variant is classified as likely benign.

Dr. Peter K. Rogan Lab, Western University
No classification provided (evidence only). Condition: Lung cancer. Review status: no classification provided. Collection method: in vitro. Allele origin: not applicable. Functional consequence: retained intron. Not counted in ClinVar's aggregate classification.

Dr. Peter K. Rogan Lab, Western University
No classification provided (evidence only). Condition: Malignant tumor of esophagus. Review status: no classification provided. Collection method: in vitro. Allele origin: not applicable. Functional consequence: retained intron. Not counted in ClinVar's aggregate classification.

Genome Diagnostics Laboratory, Amsterdam University Medical Center
Classification: Likely benign. Review status: no assertion criteria provided. Collection method: clinical testing. Allele origin: germline. Affected: yes. Study: VKGL Data-share Consensus. Not counted in ClinVar's aggregate classification.

Genome Diagnostics Laboratory, University Medical Center Utrecht
Classification: Benign. Review status: no assertion criteria provided. Collection method: clinical testing. Allele origin: germline. Affected: yes. Study: VKGL Data-share Consensus. Not counted in ClinVar's aggregate classification.

Joint Genome Diagnostic Labs from Nijmegen and Maastricht, Radboudumc and MUMC+
Classification: Likely benign. Review status: no assertion criteria provided. Collection method: clinical testing. Allele origin: germline. Affected: yes. Study: VKGL Data-share Consensus. Not counted in ClinVar's aggregate classification.

Mayo Clinic Laboratories, Mayo Clinic
Classification: Benign. Review status: no assertion criteria provided. Collection method: clinical testing. Allele origin: unknown. Not counted in ClinVar's aggregate classification.

Literature cited by the submitters: PubMed 36436516 (cited by European Reference Network on Genetic Tumour Risk Syndromes (ERN-GENTURIS), i3s - Instituto de Investigação e Inovação em Saúde, University of Porto); PubMed 2449335 (cited by European Reference Network on Genetic Tumour Risk Syndromes (ERN-GENTURIS), i3s - Instituto de Investigação e Inovação em Saúde, University of Porto); PubMed 1722187 (cited by European Reference Network on Genetic Tumour Risk Syndromes (ERN-GENTURIS), i3s - Instituto de Investigação e Inovação em Saúde, University of Porto); PubMed 26072394 (cited by European Reference Network on Genetic Tumour Risk Syndromes (ERN-GENTURIS), i3s - Instituto de Investigação e Inovação em Saúde, University of Porto); PubMed 17221870 (cited by Women's Health and Genetics/Laboratory Corporation of America, LabCorp); PubMed 19725995 (cited by Women's Health and Genetics/Laboratory Corporation of America, LabCorp); PubMed 24817184 (cited by Women's Health and Genetics/Laboratory Corporation of America, LabCorp); PubMed 24493355 (cited by Women's Health and Genetics/Laboratory Corporation of America, LabCorp); PubMed 31843900 (cited by King Laboratory, University of Washington).